The following is an entry in ClinVar:

ClinVar aggregate classification (germline): Benign. Review status: criteria provided, multiple submitters, no conflicts (2 of 4 stars). 2 submissions from 2 submitters: Benign (2). Last evaluated 2022-10-01.

Conditions:
Pulmonary hypertension, primary, 1 (PPH1). Also called: Pulmonary hypertension, familial primary, 1, with or without HHT. Identifiers: Orphanet 422, MedGen C4552070, MONDO:0024533, OMIM 178600.

Allele frequency attached by ClinVar (database versions not stated): 1000 Genomes Project 0.00060; 1000 Genomes Project 30x 0.00078; gnomAD 0.00306 and 0.00322; TOPMed 0.00309.

Submissions (2):

CeGaT Center for Human Genetics Tuebingen
Classification: Benign. Last evaluated: 2022-10-01. Review status: criteria provided, single submitter. Criteria: CeGaT Center For Human Genetics Tuebingen Variant Classification Criteria Version 2. Collection method: clinical testing. Allele origin: germline. Affected: yes. Observed: 1 variant allele.
Comment: BMPR2: BS1, BS2

Illumina Laboratory Services, Illumina
Classification: Benign for Pulmonary hypertension, primary, 1. Last evaluated: 2018-01-13. Review status: criteria provided, single submitter. Criteria: ICSL Variant Classification Criteria 13 December 2019. Collection method: clinical testing. Allele origin: germline.
Comment: This variant was observed in the ICSL laboratory as part of a predisposition screen in an ostensibly healthy population. It had not been previously curated by ICSL or reported in the Human Gene Mutation Database (HGMD: prior to June 1st, 2018), and was therefore a candidate for classification through an automated scoring system. Utilizing variant allele frequency, disease prevalence and penetrance estimates, and inheritance mode, an automated score was calculated to assess if this variant is too frequent to cause the disease. Based on the score and internal cut-off values, a variant classified as benign is not then subjected to further curation. The score for this variant resulted in a classification of benign for this disease.

NM_001204.7(BMPR2):c.*5243T>C

Gene: BMPR2 (bone morphogenetic protein receptor type 2; plus strand). Cytogenetic location: 2q33.2.
Variant type: single nucleotide variant.
Coding change: c.*5243T>C on transcript NM_001204.7 (MANE Select); 5243 bases downstream of the stop codon, T replaced by C.
Molecular consequence: 3 prime UTR variant.
Genome position (GRCh38, 1-based): chr2:202,565,189, T>C. VCF-style: chr2-202565189-T-C. GRCh37 (hg19) VCF-style: chr2-203429912-T-C.
Other names: c.*5243T>C (LRG_712t1).
Identifiers: ClinVar variation 333708 (VCV000333708.29), dbSNP rs187619865, ClinGen allele CA10613928.
Genomic context (GRCh38, chr2:202,565,189, plus strand): 5'-AGGAAAGTTTTCTTCATATCTATTCTGTCTCCCTCCTCTTTGATTTTAAATTTTTTTCTT[T>C]TACCCAGTAGGACAAAAAAGAGCAGTTGGTCATCATCCCCAATATTCTTAGTCTTCAGTA-3'